The following is an entry in ClinVar:

NM_000051.4(ATM):c.6210T>G (p.Asn2070Lys)

Genes: ATM (ATM serine/threonine kinase; plus strand), C11orf65 (chromosome 11 open reading frame 65; minus strand). Cytogenetic location: 11q22.3.
Variant type: single nucleotide variant.
Coding change: c.6210T>G on transcript NM_000051.4 (MANE Select); coding-DNA position 6210, T replaced by G.
Protein change: p.Asn2070Lys; replaces asparagine 2070 with lysine.
Molecular consequence: missense variant. On other transcripts: intron variant (2).
Genome position (GRCh38, 1-based): chr11:108,317,384, T>G. VCF-style: chr11-108317384-T-G. GRCh37 (hg19) VCF-style: chr11-108188111-T-G.
Other names: c.6210T>G, p.Asn2070Lys (NM_001351834.2); c.641-8313A>C (NM_001330368.2); c.*39-8313A>C (NM_001351110.2); short protein forms N2070K.
Identifiers: ClinVar variation 4999367 (VCV004999367.1).
Genomic context (GRCh38, chr11:108,317,384, plus strand): 5'-GTTGATATCTTTGATTACTTAACTTAAAAACAAAATAACTCCTGTTTAGGCCTTGCAGAA[T>G]TTGGGACTCTGCCATATTCTTTCCGTCTATTTAAAAGGATTGGATTATGAAAATAAAGAC-3'
Protein context (NP_000042.3, residues 2060-2080): RQAGIIQALQ[Asn2070Lys]LGLCHILSVY

ClinVar aggregate classification (germline): Uncertain significance (1 of 4 stars; one submission).

Conditions:
ATM-related disorder. Also called: ATM-related disorders; ATM-related condition.

Submission:

PreventionGenetics, part of Exact Sciences
Classification: Uncertain significance for ATM-related condition. Last evaluated: 2024-11-07. Review status: criteria provided, single submitter. Criteria: ACMG Guidelines, 2015. Collection method: clinical testing. Allele origin: germline.
Comment: The ATM c.6210T>G variant is predicted to result in the amino acid substitution p.Asn2070Lys. To our knowledge, this variant has not been reported in the literature or in a large population database (gnomAD), indicating this variant is rare. This variant is not interpreted in ClinVar. At this time, the clinical significance of this variant is uncertain due to the absence of conclusive functional and genetic evidence.